The following is an entry in ClinVar:

ClinVar aggregate classification (germline): Uncertain significance. Review status: criteria provided, multiple submitters, no conflicts (2 of 4 stars). 2 submissions from 2 submitters: Uncertain significance (2). Last evaluated 2025-09-01.

Allele frequency attached by ClinVar (database versions not stated): gnomAD 0.00001; TOPMed 0.00002.
gnomAD v4.1: 6 of 1,613,956 alleles (0.00037%); highest among the groups gnomAD compares: African/African-American, 0.0067%; no homozygotes.

Submissions (2):

Ambry Genetics
Classification: Uncertain significance. Last evaluated: 2025-09-01. Review status: criteria provided, single submitter. Criteria: Ambry Variant Classification Scheme 2023. Collection method: clinical testing. Allele origin: germline.

GeneDx
Classification: Uncertain significance. Last evaluated: 2022-08-15. Review status: criteria provided, single submitter. Criteria: GeneDx Variant Classification Process June 2021. Collection method: clinical testing. Allele origin: germline. Affected: yes.
Comment: Not observed at significant frequency in large population cohorts (gnomAD); In silico analysis supports that this missense variant has a deleterious effect on protein structure/function; Has not been previously published as pathogenic or benign to our knowledge

NM_001042603.3(KDM5A):c.1715C>G (p.Ser572Cys)

Gene: KDM5A (lysine demethylase 5A; minus strand). Cytogenetic location: 12p13.33.
Variant type: single nucleotide variant.
Coding change: c.1715C>G on transcript NM_001042603.3 (MANE Select); coding-DNA position 1715, C replaced by G.
Protein change: p.Ser572Cys; replaces serine 572 with cysteine.
Molecular consequence: missense variant.
Genome position (GRCh38, 1-based): chr12:331,877, G>C on the plus strand (C>G on the coding strand, the complement: KDM5A is on the minus strand). VCF-style: chr12-331877-G-C. GRCh37 (hg19) VCF-style: chr12-441043-G-C.
Other names: short protein forms S572C.
Identifiers: ClinVar variation 2430581 (VCV002430581.2), dbSNP rs1164949015, ClinGen allele CA383641126.